The following is an entry in ClinVar:

NM_000501.4(ELN):c.1622-6C>T

Genes: ELN (elastin; plus strand), ELN-AS1 (ELN antisense RNA 1; minus strand). Cytogenetic location: 7q11.23.
Variant type: single nucleotide variant.
Coding change: c.1622-6C>T on transcript NM_000501.4 (MANE Select); 6 bases into the intron before coding-DNA position 1622, C replaced by T.
Molecular consequence: intron variant.
Genome position (GRCh38, 1-based): chr7:74,060,370, C>T. VCF-style: chr7-74060370-C-T. GRCh37 (hg19) VCF-style: chr7-73474700-C-T.
Other names: c.1637-6C>T (NM_001081754.3); c.1580-6C>T (NM_001081753.3); c.1709-6C>T (NM_001278939.2); c.1640-6C>T (NM_001278915.2); c.1622-6C>T (NM_001278912.2, NM_000501.3); c.1565-6C>T (NM_001081755.3); c.1478-6C>T (NM_001278916.2); c.1379-6C>T (NM_001278913.2); and 4 more.
Identifiers: ClinVar variation 636521 (VCV000636521.7), dbSNP rs1280128851, ClinGen allele CA842065672.

ClinVar aggregate classification (germline): Conflicting classifications of pathogenicity. Review status: criteria provided, conflicting classifications (1 of 4 stars). 3 submissions from 3 submitters: Uncertain significance (1); Likely benign (1). 1 of the submissions does not count toward it. Last evaluated 2025-10-31.

Conditions:
Supravalvar aortic stenosis (SVAS). Also called: Supravalvar aortic stenosis, Eisenberg type. Identifiers: Orphanet 3193, MedGen C0003499, MONDO:0008504, OMIM 185500, HP:0004381.
ELN-related disorder.

Allele frequency attached by ClinVar (database versions not stated): gnomAD 0.00001; gnomAD exomes 0.00001; TOPMed below 0.00001.
gnomAD v4.1: 19 of 1,614,058 alleles (0.0012%); highest among the groups gnomAD compares: African/African-American, 0.021%; no homozygotes.

Submissions (3):

Labcorp Genetics (formerly Invitae), Labcorp
Classification: Likely benign for Supravalvar aortic stenosis. Last evaluated: 2025-10-31. Review status: criteria provided, single submitter. Criteria: Invitae Variant Classification Sherloc (09022015). Collection method: clinical testing. Allele origin: germline.

Blueprint Genetics
Classification: Uncertain significance. Last evaluated: 2024-09-23. Review status: criteria provided, single submitter. Criteria: ACMG Guidelines, 2015. Collection method: clinical testing. Allele origin: germline.

PreventionGenetics, part of Exact Sciences
Classification: Likely benign for ELN-related condition. Last evaluated: 2021-07-26. Review status: no assertion criteria provided. Collection method: clinical testing. Allele origin: germline. Not counted in ClinVar's aggregate classification.
Comment: This variant is classified as likely benign based on ACMG/AMP sequence variant interpretation guidelines (Richards et al. 2015 PMID: 25741868, with internal and published modifications).